The following is an entry in ClinVar:

NM_000059.4(BRCA2):c.5569_5573del (p.Glu1857fs)

Gene: BRCA2 (BRCA2 DNA repair associated; plus strand). Cytogenetic location: 13q13.1.
Variant type: Deletion.
Coding change: c.5569_5573del on transcript NM_000059.4 (MANE Select); coding-DNA positions 5569 to 5573, 5 bases deleted (GAAAC; older notation c.5569_5573delGAAAC).
Protein change: p.Glu1857fs; shifts the reading frame from glutamic acid 1857.
Molecular consequence: frameshift variant.
Genome position (GRCh38, 1-based): chr13:32,339,924-32,339,928, GAAAC deleted. VCF-style (leftmost placement, unchanged base first): chr13-32339923-TGAAAC-T. GRCh37 (hg19) VCF-style: chr13-32914060-TGAAAC-T.
Other names: c.5569_5573delGAAAC (NM_000059.3); short protein forms E1857fs.
Identifiers: ClinVar variation 51881 (VCV000051881.20), dbSNP rs397507788, ClinGen allele CA022576.

ClinVar aggregate classification (germline): Pathogenic. Review status: reviewed by expert panel (3 of 4 stars). 6 submissions from 6 submitters: Pathogenic (1). 5 of the submissions do not count toward it. Last evaluated 2016-09-08.

Conditions:
Hereditary cancer-predisposing syndrome. Also called: Tumor predisposition; Neoplastic Syndromes, Hereditary; Hereditary Cancer Syndrome; Hereditary neoplastic syndrome. Identifiers: Orphanet 140162, MedGen C0027672, MeSH D009386, MONDO:0015356.
Hereditary breast ovarian cancer syndrome. Also called: Hereditary breast and ovarian cancer syndrome (HBOC); Hereditary breast and ovarian cancer syndrome; Hereditary breast and ovarian cancer; Hereditary breast and/or ovarian cancer syndrome; Breast and ovarian cancer; BRCA1- and BRCA2-Associated Hereditary Breast and Ovarian Cancer. Identifiers: Orphanet 145, MedGen C0677776, MeSH D061325, MONDO:0003582. Disease mechanism: loss of function.
Breast-ovarian cancer, familial, susceptibility to, 2 (BROVCA2). Also called: BRCA2 Hereditary Breast and Ovarian Cancer. Identifiers: Orphanet 145, MedGen C2675520, MONDO:0012933, OMIM 612555. Disease mechanism: loss of function.
Breast-ovarian cancer, familial, susceptibility to, 1 (BROVCA1). Also called: OVARIAN CANCER, SUSCEPTIBILITY TO; BRCA1 Hereditary Breast and Ovarian Cancer. Identifiers: Orphanet 145, MedGen C2676676, MONDO:0011450, OMIM 604370. Disease mechanism: loss of function.

Allele frequency attached by ClinVar (database versions not stated): gnomAD exomes below 0.00001; ExAC 0.00001.

Submissions (6):

Evidence-based Network for the Interpretation of Germline Mutant Alleles (ENIGMA)
Classification: Pathogenic for Breast-ovarian cancer, familial, susceptibility to, 2. Last evaluated: 2016-09-08. Review status: reviewed by expert panel. Criteria: ENIGMA BRCA1/2 Classification Criteria (2015). Collection method: curation. Allele origin: germline.
Comment: Variant allele predicted to encode a truncated non-functional protein.

Institute of Immunology and Genetics Kaiserslautern
Classification: Pathogenic for Breast-ovarian cancer, familial, susceptibility to, 1. Last evaluated: 2025-08-01. Review status: criteria provided, single submitter. Criteria: ACMG Guidelines, 2015. Collection method: clinical testing. Allele origin: germline. Affected: yes. Not counted in ClinVar's aggregate classification.
Comment: ACMG Criteria: PVS1, PM2, PP5_M.

Labcorp Genetics (formerly Invitae), Labcorp
Classification: Pathogenic for Hereditary breast ovarian cancer syndrome. Last evaluated: 2024-01-14. Review status: criteria provided, single submitter. Criteria: Invitae Variant Classification Sherloc (09022015). Collection method: clinical testing. Allele origin: germline. Not counted in ClinVar's aggregate classification.
Comment: This sequence change creates a premature translational stop signal (p.Glu1857Asnfs*2) in the BRCA2 gene. It is expected to result in an absent or disrupted protein product. Loss-of-function variants in BRCA2 are known to be pathogenic (PMID: 20104584). This variant is not present in population databases (gnomAD no frequency). This premature translational stop signal has been observed in individual(s) with a personal and/or family history of breast and/or ovarian cancer (PMID: 11802209, 21990299). This variant is also known as 5797del5bp. ClinVar contains an entry for this variant (Variation ID: 51881). For these reasons, this variant has been classified as Pathogenic.

Ambry Genetics
Classification: Pathogenic for Hereditary cancer-predisposing syndrome. Last evaluated: 2022-10-24. Review status: criteria provided, single submitter. Criteria: Ambry Variant Classification Scheme 2023. Collection method: clinical testing. Allele origin: germline. Not counted in ClinVar's aggregate classification.
Comment: The c.5569_5573delGAAAC pathogenic mutation, located in coding exon 10 of the BRCA2 gene, results from a deletion of 5 nucleotides at nucleotide positions 5569 to 5573, causing a translational frameshift with a predicted alternate stop codon (p.E1857Nfs*2). This alteration was detected in 1/989 unrelated individuals from a cohort of German breast/ovarian cancer families (Meindl A et al. Int. J. Cancer. 2002 Feb;97:472-80). In addition to the clinical data presented in the literature, this alteration is expected to result in loss of function by premature protein truncation or nonsense-mediated mRNA decay. As such, this alteration is interpreted as a disease-causing mutation.

Women's Health and Genetics/Laboratory Corporation of America, LabCorp
Classification: Pathogenic for Hereditary breast and ovarian cancer syndrome. Last evaluated: 2018-09-26. Review status: criteria provided, single submitter. Criteria: LabCorp Variant Classification Summary - May 2015. Collection method: clinical testing. Allele origin: germline. Not counted in ClinVar's aggregate classification.
Comment: Variant summary: BRCA2 c.5569_5573delGAAAC (p.Glu1857AsnfsX2) results in a premature termination codon, predicted to cause a truncation of the encoded protein or absence of the protein due to nonsense mediated decay, which are commonly known mechanisms for disease. The variant allele was found at a frequency of 8.3e-06 in 120540 control chromosomes (ExAC). The variant, c.5569_5573delGAAAC, has been reported in the literature in at least 3 families affected with Hereditary Breast and Ovarian Cancer (Meindl 2002, Rebbeck 2018). These data indicate that the variant is likely to be associated with disease. To our knowledge, no experimental evidence demonstrating an impact on protein function has been reported. Two clinical diagnostic laboratories have submitted clinical-significance assessments for this variant to ClinVar after 2014 without evidence for independent evaluation, and both laboratories classified the variant as pathogenic. Based on the evidence outlined above, the variant was classified as pathogenic.

Consortium of Investigators of Modifiers of BRCA1/2 (CIMBA), c/o University of Cambridge
Classification: Pathogenic for Breast-ovarian cancer, familial, susceptibility to, 2. Last evaluated: 2015-10-02. Review status: criteria provided, single submitter. Criteria: CIMBA Mutation Classification guidelines May 2016. Collection method: clinical testing. Allele origin: germline. Not counted in ClinVar's aggregate classification.

Literature cited by the submitters: PubMed 20104584 (cited by Labcorp Genetics (formerly Invitae), Labcorp); PubMed 11802209 (cited by 3 submitters); PubMed 21990299 (cited by Labcorp Genetics (formerly Invitae), Labcorp); PubMed 29446198 (cited by Women's Health and Genetics/Laboratory Corporation of America, LabCorp).